The following is an entry in ClinVar:

ClinVar aggregate classification (germline): Uncertain significance (1 of 4 stars; one submission).

Submission:

Labcorp Genetics (formerly Invitae), Labcorp
Classification: Uncertain significance. Last evaluated: 2021-12-23. Review status: criteria provided, single submitter. Criteria: Invitae Variant Classification Sherloc (09022015). Collection method: clinical testing. Allele origin: germline.
Comment: This sequence change replaces lysine, which is basic and polar, with glutamic acid, which is acidic and polar, at codon 493 of the CTNNA1 protein (p.Lys493Glu). This variant is not present in population databases (gnomAD no frequency). This variant has not been reported in the literature in individuals affected with CTNNA1-related conditions. Algorithms developed to predict the effect of missense changes on protein structure and function are either unavailable or do not agree on the potential impact of this missense change (SIFT: "Deleterious"; PolyPhen-2: "Benign"; Align-GVGD: "Class C0"). In summary, the available evidence is currently insufficient to determine the role of this variant in disease. Therefore, it has been classified as a Variant of Uncertain Significance.

NM_001903.5(CTNNA1):c.1477A>G (p.Lys493Glu)

Gene: CTNNA1 (catenin alpha 1; plus strand). Cytogenetic location: 5q31.2.
Variant type: single nucleotide variant.
Coding change: c.1477A>G on transcript NM_001903.5 (MANE Select); coding-DNA position 1477, A replaced by G.
Protein change: p.Lys493Glu; replaces lysine 493 with glutamic acid.
Molecular consequence: missense variant.
Genome position (GRCh38, 1-based): chr5:138,917,829, A>G. VCF-style: chr5-138917829-A-G. GRCh37 (hg19) VCF-style: chr5-138253518-A-G.
Other names: c.367A>G, p.Lys123Glu (NM_001324004.1, NM_001324005.1, NM_001290312.1 and 17 more transcripts); c.28A>G, p.Lys10Glu (NM_001324006.1, NM_001324007.1, NM_001324008.1 and 2 more transcripts); c.274A>G, p.Lys92Glu (NM_001324011.1); c.124A>G, p.Lys42Glu (NM_001324012.1, NM_001324013.1); c.1477A>G, p.Lys493Glu (NM_001290307.3, NM_001323982.2, NM_001323983.1 and 2 more transcripts); c.1168A>G, p.Lys390Glu (NM_001290309.3); c.1108A>G, p.Lys370Glu (NM_001290310.3); c.1384A>G, p.Lys462Glu (NM_001323986.2); short protein forms K10E, K123E, K390E, K462E, K42E, K493E, K92E, K370E.
Identifiers: ClinVar variation 2056298 (VCV002056298.4), dbSNP rs2533589980, ClinGen allele CA361137281.
Genomic context (GRCh38, chr5:138,917,829, plus strand): 5'-GCAAAACCACAGAGTAAACTGGCCCAAGAGAACATGGATCTTTTTAAAGAACAATGGGAA[A>G]AACAAGTCCGTGTTCTCACAGATGCTGTCGATGACATTACTTCCATTGATGACTTCTTGG-3'
Protein context (NP_001894.2, residues 483-503): NMDLFKEQWE[Lys493Glu]QVRVLTDAVD